The following is an entry in ClinVar:

ClinVar aggregate classification (germline): Pathogenic (1 of 4 stars; one submission).

Conditions:
Combined immunodeficiency due to LRBA deficiency. Also called: Common variable immunodeficiency 8, with autoimmunity. Identifiers: Orphanet 445018, MedGen C3553512, MONDO:0013863, OMIM 614700.

Submission:

Labcorp Genetics (formerly Invitae), Labcorp
Classification: Pathogenic for Combined immunodeficiency due to LRBA deficiency. Last evaluated: 2021-04-24. Review status: criteria provided, single submitter. Criteria: Invitae Variant Classification Sherloc (09022015). Collection method: clinical testing. Allele origin: germline.
Comment: For these reasons, this variant has been classified as Pathogenic. This variant has not been reported in the literature in individuals with LRBA-related conditions. This variant is not present in population databases (ExAC no frequency). This sequence change creates a premature translational stop signal (p.Ser872Leufs*15) in the LRBA gene. It is expected to result in an absent or disrupted protein product. Loss-of-function variants in LRBA are known to be pathogenic (PMID: 26206937, 26768763).

Literature cited by the submitters: PubMed 26206937; PubMed 26768763.

NM_001364905.1(LRBA):c.2614del (p.Ser872fs)

Gene: LRBA (LPS responsive beige-like anchor protein; minus strand). Cytogenetic location: 4q31.3.
Variant type: Deletion.
Coding change: c.2614del on transcript NM_001364905.1 (MANE Select); coding-DNA position 2614, one base deleted (T; older notation c.2614delT).
Protein change: p.Ser872fs; shifts the reading frame from serine 872.
Molecular consequence: frameshift variant.
Genome position (GRCh38, 1-based): chr4:150,867,823, A deleted on the plus strand (T on the coding strand, the reverse complement: LRBA is on the minus strand); the first of 3 consecutive A bases (chr4:150,867,823-150,867,825); deleting any one gives the same sequence. VCF-style (leftmost placement, unchanged base first): chr4-150867822-GA-G. GRCh37 (hg19) VCF-style: chr4-151788974-GA-G.
Other names: c.2612delT, p.Ser872Leufs (NM_001199282.3, NM_006726.5); c.2614del, p.Ser872fs (NM_001367550.1); short protein forms S872fs.
Identifiers: ClinVar variation 1424030 (VCV001424030.6), dbSNP rs2126988253, ClinGen allele CA2573138075.